The following is an entry in ClinVar:

NM_002714.4(PPP1R10):c.-532-1G>C

Gene: PPP1R10 (protein phosphatase 1 regulatory subunit 10; minus strand). Cytogenetic location: 6p21.33.
Variant type: single nucleotide variant.
Coding change: c.-532-1G>C on transcript NM_002714.4 (MANE Select); the canonical splice acceptor site of the intron before 532 bases upstream of the start codon, G replaced by C.
Molecular consequence: splice acceptor variant.
Genome position (GRCh38, 1-based): chr6:30,616,999, C>G on the plus strand (G>C on the coding strand, the complement: PPP1R10 is on the minus strand). VCF-style: chr6-30616999-C-G. GRCh37 (hg19) VCF-style: chr6-30584776-C-G.
Other names: c.-532-1G>C (NM_001376195.1).
Identifiers: ClinVar variation 2429034 (VCV002429034.4), dbSNP rs1561860344, ClinGen allele CA2580074262.

ClinVar aggregate classification (germline): Uncertain significance (1 of 4 stars; one submission).

Submission:

Greenwood Genetic Center Diagnostic Laboratories, Greenwood Genetic Center
Classification: Uncertain significance. Last evaluated: 2022-12-16. Review status: criteria provided, single submitter. Criteria: ACMG Guidelines, 2015. Collection method: clinical testing. Allele origin: germline. Affected: yes.
Comment: PM2, PP3